The following is an entry in ClinVar:

NM_001128205.2(SULF1):c.1469G>A (p.Arg490Gln)

Gene: SULF1 (sulfatase 1; plus strand). Cytogenetic location: 8q13.3.
Variant type: single nucleotide variant.
Coding change: c.1469G>A on transcript NM_001128205.2 (MANE Select); coding-DNA position 1469, G replaced by A.
Protein change: p.Arg490Gln; replaces arginine 490 with glutamine.
Molecular consequence: missense variant. On other transcripts: non-coding transcript variant (3).
Genome position (GRCh38, 1-based): chr8:69,621,126, G>A. VCF-style: chr8-69621126-G-A. GRCh37 (hg19) VCF-style: chr8-70533361-G-A.
Other names: c.1469G>A, p.Arg490Gln (NM_001128204.2, NM_001128206.2, NM_015170.3); short protein forms R490Q.
Identifiers: ClinVar variation 1504848 (VCV001504848.8), dbSNP rs141888575, ClinGen allele CA4775895.

ClinVar aggregate classification (germline): Uncertain significance (1 of 4 stars; one submission).

Allele frequency attached by ClinVar (database versions not stated): gnomAD exomes below 0.00001; ExAC 0.00002; TOPMed 0.00001; gnomAD 0.00002; ESP Exome Variant Server 0.00008.
gnomAD v4.1: 21 of 1,613,972 alleles (0.0013%); highest among the groups gnomAD compares: African/African-American, 0.0027%; no homozygotes.

Submission:

Labcorp Genetics (formerly Invitae), Labcorp
Classification: Uncertain significance. Last evaluated: 2025-04-30. Review status: criteria provided, single submitter. Criteria: Invitae Variant Classification Sherloc (09022015). Collection method: clinical testing. Allele origin: germline.
Comment: This sequence change replaces arginine, which is basic and polar, with glutamine, which is neutral and polar, at codon 490 of the SULF1 protein (p.Arg490Gln). This variant is present in population databases (rs141888575, gnomAD 0.002%). This variant has not been reported in the literature in individuals affected with SULF1-related conditions. ClinVar contains an entry for this variant (Variation ID: 1504848). An algorithm developed to predict the effect of missense changes on protein structure and function (PolyPhen-2) suggests that this variant is likely to be tolerated. In summary, the available evidence is currently insufficient to determine the role of this variant in disease. Therefore, it has been classified as a Variant of Uncertain Significance.